The following is an entry in ClinVar:

ClinVar aggregate classification (germline): Uncertain significance (1 of 4 stars; one submission).

Conditions:
Linear skin defects with multiple congenital anomalies 2 (LSDMCA2). Identifiers: Orphanet 2556, MedGen C3550921, MONDO:0010474, OMIM 300887.

gnomAD v4.1: 4 of 1,209,158 alleles (0.00033%); highest among the groups gnomAD compares: Non-Finnish European, 0.00045%; no homozygotes.

Submission:

Victorian Clinical Genetics Services, Murdoch Childrens Research Institute
Classification: Uncertain significance for Linear skin defects with multiple congenital anomalies 2. Last evaluated: 2025-06-17. Review status: criteria provided, single submitter. Criteria: ACMG Guidelines, 2015. Collection method: clinical testing. Allele origin: germline.
Comment: This variant is classified as VUS-3B. Evidence in support of pathogenic classification: Variant is present in gnomAD <0.001 for a dominant condition (v4: 3 heterozygote(s), 0 homozygote(s), 1 hemizygote(s)). Additional information: Variant is predicted to result in a missense amino acid change from valine to alanine; This variant is hemizygous; This gene is associated with X-linked dominant disease; This variant has no previous evidence of pathogenicity; No published segregation evidence has been identified for this variant; No published functional evidence has been identified for this variant; No comparable missense variants have previous evidence for pathogenicity; Variant is located in the annotated cytochrome C oxidase chain VIIB domain (DECIPHER); Missense variant with inconclusive in silico prediction and/or uninformative conservation; The mechanism of disease for this gene is not clearly established, however loss of function is a suggested mechanism of disease associated with linear skin defects with multiple congenital anomalies 2 (MIM#300887); Variants in this gene are suggested to have variable expressivity due to variable patterns of X-linked inactivation (PMID: 23122588).

Literature cited by the submitters: PubMed 23122588.

NM_001866.3(COX7B):c.206T>C (p.Val69Ala)

Gene: COX7B (cytochrome c oxidase subunit 7B; plus strand). Cytogenetic location: Xq21.1.
Variant type: single nucleotide variant.
Coding change: c.206T>C on transcript NM_001866.3 (MANE Select); coding-DNA position 206, T replaced by C.
Protein change: p.Val69Ala; replaces valine 69 with alanine.
Molecular consequence: missense variant.
Genome position (GRCh38, 1-based): chrX:77,905,224, T>C. VCF-style: chrX-77905224-T-C. GRCh37 (hg19) VCF-style: chrX-77160721-T-C.
Other names: short protein forms V69A.
Identifiers: ClinVar variation 4531356 (VCV004531356.1).